The following is an entry in ClinVar:

ClinVar aggregate classification (germline): Likely pathogenic (1 of 4 stars; one submission).

Conditions:
Xanthinuria type II. Also called: Xanthine dehydrogenase and aldehyde oxidase combined deficiency of; XDH and AOX dual deficiency. Identifiers: Orphanet 3467, Orphanet 93602, MedGen C1863688, MONDO:0011346, OMIM 603592.

Allele frequency attached by ClinVar (database versions not stated): gnomAD exomes 0.00004 and 0.00010; gnomAD 0.00005 and 0.00006; ExAC 0.00007; TOPMed 0.00007; ESP Exome Variant Server 0.00031.
gnomAD v4.1: 153 of 1,613,364 alleles (0.0095%); highest among the groups gnomAD compares: Non-Finnish European, 0.012%; no homozygotes.

Submission:

Labcorp Genetics (formerly Invitae), Labcorp
Classification: Likely pathogenic for Xanthinuria type II. Last evaluated: 2022-07-13. Review status: criteria provided, single submitter. Criteria: Invitae Variant Classification Sherloc (09022015). Collection method: clinical testing. Allele origin: germline.
Comment: This sequence change affects an acceptor splice site in intron 3 of the MOCOS gene. It is expected to disrupt RNA splicing. Variants that disrupt the donor or acceptor splice site typically lead to a loss of protein function (PMID: 16199547), and loss-of-function variants in MOCOS are known to be pathogenic (PMID: 11302742, 17368066). This variant is present in population databases (rs138341349, gnomAD 0.008%). This variant has not been reported in the literature in individuals affected with MOCOS-related conditions. ClinVar contains an entry for this variant (Variation ID: 964373). Algorithms developed to predict the effect of sequence changes on RNA splicing suggest that this variant may disrupt the consensus splice site. In summary, the currently available evidence indicates that the variant is pathogenic, but additional data are needed to prove that conclusively. Therefore, this variant has been classified as Likely Pathogenic.

Literature cited by the submitters: PubMed 16199547; PubMed 11302742; PubMed 17368066.

NM_017947.4(MOCOS):c.300-1G>C

Gene: MOCOS (molybdenum cofactor sulfurase; plus strand). Cytogenetic location: 18q12.2.
Variant type: single nucleotide variant.
Coding change: c.300-1G>C on transcript NM_017947.4 (MANE Select); the canonical splice acceptor site of the intron before coding-DNA position 300, G replaced by C.
Molecular consequence: splice acceptor variant.
Genome position (GRCh38, 1-based): chr18:36,199,682, G>C. VCF-style: chr18-36199682-G-C. GRCh37 (hg19) VCF-style: chr18-33779645-G-C.
Identifiers: ClinVar variation 964373 (VCV000964373.6), dbSNP rs138341349, ClinGen allele CA8940396.
Genomic context (GRCh38, chr18:36,199,682, plus strand): 5'-TGCAAACATTCAGTGCTGGGGCTGAGATCCGCGGGTTGCGGGGATGCTGTGCTTCTTCCA[G>C]AATCCTGGCGCACTTCCACACCACCGCAGAAGACTACACTGTGATCTTCACTGCCGGGAG-3'